The following is an entry in ClinVar:

NM_001366385.1(CARD14):c.409GAG[1] (p.Glu138del)

Gene: CARD14 (caspase recruitment domain family member 14; plus strand). Cytogenetic location: 17q25.3.
Variant type: Microsatellite.
Coding change: c.409GAG[1] on transcript NM_001366385.1 (MANE Select); one copy of the 3-base unit GAG starting at c.409; the reference has two copies in a row; one copy, 3 bases deleted.
Protein change: p.Glu138del; deletes glutamic acid 138.
Molecular consequence: inframe deletion. On other transcripts: non-coding transcript variant (1).
Genome position (GRCh38, 1-based): chr17:80,183,975-80,183,977, GAG deleted; deleting any 3 consecutive bases within chr17:80,183,970-80,183,977 gives the same sequence; the position shown is the placement nearest the transcript's 3' end. VCF-style (leftmost placement, unchanged base first): chr17-80183969-CAGG-C. GRCh37 (hg19) VCF-style: chr17-78157768-CAGG-C.
Other names: c.409GAG[1], p.Glu138del (NM_001257970.1, NM_024110.4); c.412_414del (NM_024110.4); short protein forms E138del.
Identifiers: ClinVar variation 35574 (VCV000035574.6), dbSNP rs1390003312, ClinGen allele CA919905440.

ClinVar aggregate classification (germline): Likely pathogenic. Review status: criteria provided, single submitter (1 of 4 stars). 2 submissions from 2 submitters: Likely pathogenic (1). 1 of the submissions does not count toward it. Last evaluated 2022-06-29.

Conditions:
Pityriasis rubra pilaris (PRP). Also called: Pityriasis rubra pilaris--familial type. Identifiers: Orphanet 2897, MedGen C0032027, MONDO:0100017, OMIM 173200, MONDO:0008251.
Psoriasis 2. Identifiers: MedGen C1864497, MONDO:0011269, OMIM 602723.

Submissions (2):

Labcorp Genetics (formerly Invitae), Labcorp
Classification: Likely pathogenic for Pityriasis rubra pilaris; Psoriasis 2. Last evaluated: 2022-06-29. Review status: criteria provided, single submitter. Criteria: Invitae Variant Classification Sherloc (09022015). Collection method: clinical testing. Allele origin: germline.
Comment: Experimental studies have shown that this variant affects CARD14 function (PMID: 30319628). Algorithms developed to predict the effect of variants on protein structure and function are not available or were not evaluated for this variant. This variant has been observed in individuals with pityriasis rubra pilaris (PMID: 22703878; Invitae). It has also been observed to segregate with disease in related individuals. This variant is not present in population databases (gnomAD no frequency). This variant, c.412_414del, results in the deletion of 1 amino acid(s) of the CARD14 protein (p.Glu138del), but otherwise preserves the integrity of the reading frame. In summary, the currently available evidence indicates that the variant is pathogenic, but additional data are needed to prove that conclusively. Therefore, this variant has been classified as Likely Pathogenic.

OMIM
Classification: Pathogenic for PITYRIASIS RUBRA PILARIS. Last evaluated: 2012-07-13. Review status: no assertion criteria provided. Collection method: literature only. Allele origin: germline. Not counted in ClinVar's aggregate classification.

Literature cited by the submitters: PubMed 30319628 (cited by Labcorp Genetics (formerly Invitae), Labcorp); PubMed 22703878 (cited by Labcorp Genetics (formerly Invitae), Labcorp and OMIM).